The following is an entry in ClinVar:

ClinVar aggregate classification (germline): Uncertain significance (1 of 4 stars; one submission).

Conditions:
Hereditary cancer-predisposing syndrome. Also called: Neoplastic Syndromes, Hereditary; Tumor predisposition; Hereditary Cancer Syndrome; Hereditary neoplastic syndrome. Identifiers: Orphanet 140162, MedGen C0027672, MeSH D009386, MONDO:0015356.

Submission:

Ambry Genetics
Classification: Uncertain significance for Hereditary cancer-predisposing syndrome. Last evaluated: 2024-11-24. Review status: criteria provided, single submitter. Criteria: Ambry Variant Classification Scheme 2023. Collection method: clinical testing. Allele origin: germline.
Comment: The p.K453N variant (also known as c.1359G>T), located in coding exon 9 of the RAD50 gene, results from a G to T substitution at nucleotide position 1359. The lysine at codon 453 is replaced by asparagine, an amino acid with similar properties. This amino acid position is conserved. In addition, this alteration is predicted to be tolerated by in silico analysis. Based on the available evidence, the clinical significance of this variant remains unclear.

NM_005732.4(RAD50):c.1359G>T (p.Lys453Asn)

Gene: RAD50 (RAD50 double strand break repair protein; plus strand). Cytogenetic location: 5q31.1.
Variant type: single nucleotide variant.
Coding change: c.1359G>T on transcript NM_005732.4 (MANE Select); coding-DNA position 1359, G replaced by T.
Protein change: p.Lys453Asn; replaces lysine 453 with asparagine.
Molecular consequence: missense variant.
Genome position (GRCh38, 1-based): chr5:132,589,744, G>T. VCF-style: chr5-132589744-G-T. GRCh37 (hg19) VCF-style: chr5-131925436-G-T.
Other names: short protein forms K453N.
Identifiers: ClinVar variation 3429533 (VCV003429533.1).
Genomic context (GRCh38, chr5:132,589,744, plus strand): 5'-AGATAAGAAAACTGGACTGGGAAGAATAATTGAGTTAAAATCAGAAATCCTAAGTAAGAA[G>T]CAGAATGAGCTGAAAAATGTGAAGTATGAATTACAGCAGTTGGAAGGATCTTCAGACAGG-3'
Protein context (NP_005723.2, residues 443-463): IELKSEILSK[Lys453Asn]QNELKNVKYE